The following is an entry in ClinVar:

NM_004006.3(DMD):c.10086+1G>T

Gene: DMD (dystrophin; minus strand). Cytogenetic location: Xp21.2.
Variant type: single nucleotide variant.
Coding change: c.10086+1G>T on transcript NM_004006.3 (MANE Select); the canonical splice donor site of the intron after coding-DNA position 10086, G replaced by T.
Molecular consequence: splice donor variant.
Genome position (GRCh38, 1-based): chrX:31,180,369, C>A on the plus strand (G>T on the coding strand, the complement: DMD is on the minus strand). VCF-style: chrX-31180369-C-A. GRCh37 (hg19) VCF-style: chrX-31198486-C-A.
Other names: c.10062+1G>T (NM_000109.4); c.6063+1G>T (NM_004011.4); c.6054+1G>T (NM_004012.4); c.2706+1G>T (NM_004023.3, NM_004020.4, NM_004022.3 and 2 more transcripts); c.1899+1G>T (NM_004014.3); c.882+1G>T (NM_004018.3, NM_004017.3, NM_004016.3 and 2 more transcripts); c.10074+1G>T (NM_004009.3); c.9717+1G>T (NM_004010.3).
Identifiers: ClinVar variation 501095 (VCV000501095.14), dbSNP rs398123828, ClinGen allele CA412652981.
Genomic context (GRCh38, chrX:31,180,369, plus strand): 5'-TACAAAACTGAAATTTATCCCAGGTGAACTAACTCTCACGTCAGGCTGGCGTCAAACTTA[C>A]CGGAGTGCAATATTCCACCATGGGATAGTGCATTTTATGGCCTTTTGCAACTCGACCAGA-3'

ClinVar aggregate classification (germline): Pathogenic. Review status: criteria provided, multiple submitters, no conflicts (2 of 4 stars). 3 submissions from 3 submitters: Pathogenic (3). Last evaluated 2021-02-09.

Conditions:
Duchenne muscular dystrophy (DMD). Also called: MUSCULAR DYSTROPHY, PSEUDOHYPERTROPHIC PROGRESSIVE, DUCHENNE TYPE; Duchenne Muscular Dystrophy (DMD). Identifiers: Orphanet 98896, MedGen C0013264, MONDO:0010679, OMIM 310200.

Submissions (3):

Labcorp Genetics (formerly Invitae), Labcorp
Classification: Pathogenic for Duchenne muscular dystrophy. Last evaluated: 2021-02-09. Review status: criteria provided, single submitter. Criteria: Invitae Variant Classification Sherloc (09022015). Collection method: clinical testing. Allele origin: germline.
Comment: For these reasons, this variant has been classified as Pathogenic. Studies have shown that disruption of this splice site is associated with skipping combinations of exons 67-79 (PMID: 7581396, 8589698). Disruption of this splice site has been observed in individual(s) with Duchenne muscular dystrophy (PMID: 7581396, 8589698). This variant is also known as 10294+1G>T. ClinVar contains an entry for this variant (Variation ID: 501095). This variant is not present in population databases (ExAC no frequency). This sequence change affects a donor splice site in intron 69 of the DMD gene. RNA analysis indicates that this variant induces altered splicing and likely results in a shortened protein product.

Mendelics
Classification: Pathogenic for Duchenne muscular dystrophy. Last evaluated: 2019-05-28. Review status: criteria provided, single submitter. Criteria: Mendelics Assertion Criteria 2017. Collection method: clinical testing. Allele origin: unknown.

Eurofins Ntd Llc (ga)
Classification: Pathogenic. Last evaluated: 2017-03-24. Review status: criteria provided, single submitter. Criteria: EGL Classification Definitions 2015. Collection method: clinical testing. Allele origin: germline. Observed: 1 variant allele, 1 hemizygote.

Literature cited by the submitters: PubMed 7581396 (cited by Labcorp Genetics (formerly Invitae), Labcorp); PubMed 8589698 (cited by Labcorp Genetics (formerly Invitae), Labcorp).